The following is an entry in ClinVar:

NM_000443.4(ABCB4):c.918G>A (p.Leu306=)

Gene: ABCB4 (ATP binding cassette subfamily B member 4; minus strand). Cytogenetic location: 7q21.12.
Variant type: single nucleotide variant.
Coding change: c.918G>A on transcript NM_000443.4 (MANE Select); coding-DNA position 918, G replaced by A.
Protein change: p.Leu306=; no amino-acid change (leucine 306 retained).
Molecular consequence: synonymous variant.
Genome position (GRCh38, 1-based): chr7:87,447,121, C>T on the plus strand (G>A on the coding strand, the complement: ABCB4 is on the minus strand). VCF-style: chr7-87447121-C-T. GRCh37 (hg19) VCF-style: chr7-87076437-C-T.
Other names: c.918G>A, p.Leu306= (NM_018849.3, NM_018850.3).
Identifiers: ClinVar variation 3049388 (VCV003049388.2), dbSNP rs2546847040, ClinGen allele CA456351023.

ClinVar aggregate classification (germline): Likely benign (0 of 4 stars; one submission).

Conditions:
ABCB4-related disorder. Also called: ABCB4-related disorders; ABCB4-related condition.

Allele frequency attached by ClinVar (database versions not stated): gnomAD exomes below 0.00001.
gnomAD v4.1: 2 of 1,613,930 alleles (0.00012%); highest among the groups gnomAD compares: Non-Finnish European, 0.00017%; no homozygotes.

Submission:

PreventionGenetics, part of Exact Sciences
Classification: Likely benign for ABCB4-related condition. Last evaluated: 2022-09-01. Review status: no assertion criteria provided. Collection method: clinical testing. Allele origin: germline.
Comment: This variant is classified as likely benign based on ACMG/AMP sequence variant interpretation guidelines (Richards et al. 2015 PMID: 25741868, with internal and published modifications).